The following is an entry in ClinVar:

NM_001042492.3(NF1):c.1110del (p.Ala371fs)

Gene: NF1 (neurofibromin 1; plus strand). Cytogenetic location: 17q11.2.
Variant type: Deletion.
Coding change: c.1110del on transcript NM_001042492.3 (MANE Select); coding-DNA position 1110, one base deleted (T; older notation c.1110delT).
Protein change: p.Ala371fs; shifts the reading frame from alanine 371.
Molecular consequence: frameshift variant.
Genome position (GRCh38, 1-based): chr17:31,201,084, T deleted. VCF-style (leftmost placement, unchanged base first): chr17-31201083-CT-C. GRCh37 (hg19) VCF-style: chr17-29528101-CT-C.
Other names: c.1110delT, p.Ala371Glnfs (NM_000267.4); c.1110del, p.Ala371fs (NM_001128147.3); c.1110delT (NM_000267.3); short protein forms A371fs.
Identifiers: ClinVar variation 955471 (VCV000955471.9), dbSNP rs2066519817, ClinGen allele CA982961713.

ClinVar aggregate classification (germline): Pathogenic. Review status: criteria provided, multiple submitters, no conflicts (2 of 4 stars). 2 submissions from 2 submitters: Pathogenic (2). Last evaluated 2019-07-31.

Conditions:
Cardiovascular phenotype. Identifiers: MedGen CN230736.
Hereditary cancer-predisposing syndrome. Also called: Hereditary neoplastic syndrome; Tumor predisposition; Neoplastic Syndromes, Hereditary; Hereditary Cancer Syndrome. Identifiers: Orphanet 140162, MedGen C0027672, MeSH D009386, MONDO:0015356.
Neurofibromatosis, type 1 (NF1). Also called: VON RECKLINGHAUSEN DISEASE; NEUROFIBROMATOSIS, TYPE I, SOMATIC; Peripheral type neurofibromatosis; Neurofibromatosis, type I. Identifiers: Orphanet 636, MedGen C0027831, MONDO:0018975, OMIM 162200. Disease mechanism: loss of function.

Submissions (2):

Labcorp Genetics (formerly Invitae), Labcorp
Classification: Pathogenic for Neurofibromatosis, type 1. Last evaluated: 2019-07-31. Review status: criteria provided, single submitter. Criteria: Invitae Variant Classification Sherloc (09022015). Collection method: clinical testing. Allele origin: germline.
Comment: For these reasons, this variant has been classified as Pathogenic. Loss-of-function variants in NF1 are known to be pathogenic (PMID: 10712197, 23913538). This variant has been observed in an individual affected with neurofibromatosis type 1 (PMID: 26478990). This variant is not present in population databases (ExAC no frequency). This sequence change creates a premature translational stop signal (p.Ala371Glnfs*5) in the NF1 gene. It is expected to result in an absent or disrupted protein product.

Ambry Genetics
Classification: Pathogenic for Cardiovascular phenotype; Hereditary cancer-predisposing syndrome. Last evaluated: 2017-12-26. Review status: criteria provided, single submitter. Criteria: Ambry Variant Classification Scheme 2023. Collection method: clinical testing. Allele origin: germline.
Comment: The c.1110delT pathogenic mutation, located in coding exon 10 of the NF1 gene, results from a deletion of one nucleotide at nucleotide position 1110, causing a translational frameshift with a predicted alternate stop codon (p.A371Qfs*5). This alteration was previously detected in a patient from a neurofibramotosis type I cohort, and truncated protein was demonstrated on Western blot analysis (Esposito T et al. J. Neurochem., 2015 Dec;135:1123-8). In addition to the clinical data presented in the literature, this alteration is expected to result in loss of function by premature protein truncation or nonsense-mediated mRNA decay. As such, this alteration is interpreted as a disease-causing mutation.

Literature cited by the submitters: PubMed 10712197 (cited by Labcorp Genetics (formerly Invitae), Labcorp); PubMed 23913538 (cited by Labcorp Genetics (formerly Invitae), Labcorp); PubMed 26478990 (cited by Labcorp Genetics (formerly Invitae), Labcorp).